The following is an entry in ClinVar:

ClinVar aggregate classification (germline): Uncertain significance. Review status: criteria provided, multiple submitters, no conflicts (2 of 4 stars). 3 submissions from 3 submitters: Uncertain significance (3). Last evaluated 2026-09-15.

Conditions:
Neurofibromatosis, type 1 (NF1). Also called: NEUROFIBROMATOSIS, TYPE I, SOMATIC; Peripheral type neurofibromatosis; Neurofibromatosis, type I; VON RECKLINGHAUSEN DISEASE. Identifiers: Orphanet 636, MedGen C0027831, MONDO:0018975, OMIM 162200. Disease mechanism: loss of function.
NF1-related disorder. Also called: NF1-related condition. Identifiers: MedGen CN379171.

Submissions (3):

PreventionGenetics, part of Exact Sciences
Classification: Uncertain significance for NF1-related condition. Last evaluated: 2026-09-15. Review status: criteria provided, single submitter. Criteria: ACMG Guidelines, 2015. Collection method: clinical testing. Allele origin: germline.
Comment: The NF1 c.3527G>C variant is predicted to result in the amino acid substitution p.Arg1176Thr. To our knowledge, this variant has not been reported in the literature or in a large population database (gnomAD), indicating this variant is rare. A different missense variant affecting the same amino acid residue (p.Arg1176Gly) was identified in a cohort of individuals with neurofibromatosis type 1 and Legius syndrome and functional studies showed that it reduced RAS GAP activity and SPRED1 binding (Table S2 in Douben et al. 2023. PubMed ID: 40225167). At this time, the clinical significance of the c.3527G>C (p.Arg1176Thr) variant is uncertain due to the absence of conclusive functional and genetic evidence.

Dasa
Classification: Uncertain significance. Last evaluated: 2025-07-04. Review status: criteria provided, single submitter. Criteria: DASA Assertion Criteria. Collection method: clinical testing. Allele origin: germline.
Comment: NM_001042492.3(NF1):c.3527G>C (p.Arg1176Thr) is a missense variant that results in the substitution of arginine with threonine. This variant is absent from population databases. Computational prediction algorithms are consistent with a deleterious effect. The currently available literature and clinical evidence are not sufficient to establish a definitive association between this variant and the reported condition. Therefore, this variant is classified as a variant of uncertain significance.

Labcorp Genetics (formerly Invitae), Labcorp
Classification: Uncertain significance for Neurofibromatosis, type 1. Last evaluated: 2024-10-11. Review status: criteria provided, single submitter. Criteria: Invitae Variant Classification Sherloc (09022015). Collection method: clinical testing. Allele origin: germline.
Comment: This sequence change replaces arginine, which is basic and polar, with threonine, which is neutral and polar, at codon 1176 of the NF1 protein (p.Arg1176Thr). This variant is not present in population databases (gnomAD no frequency). This variant has not been reported in the literature in individuals affected with NF1-related conditions. Invitae Evidence Modeling of protein sequence and biophysical properties (such as structural, functional, and spatial information, amino acid conservation, physicochemical variation, residue mobility, and thermodynamic stability) indicates that this missense variant is expected to disrupt NF1 protein function with a positive predictive value of 95%. In summary, the available evidence is currently insufficient to determine the role of this variant in disease. Therefore, it has been classified as a Variant of Uncertain Significance.

NM_001042492.3(NF1):c.3527G>C (p.Arg1176Thr)

Gene: NF1 (neurofibromin 1; plus strand). Cytogenetic location: 17q11.2.
Variant type: single nucleotide variant.
Coding change: c.3527G>C on transcript NM_001042492.3 (MANE Select); coding-DNA position 3527, G replaced by C.
Protein change: p.Arg1176Thr; replaces arginine 1176 with threonine.
Molecular consequence: missense variant.
Genome position (GRCh38, 1-based): chr17:31,233,032, G>C. VCF-style: chr17-31233032-G-C. GRCh37 (hg19) VCF-style: chr17-29560050-G-C.
Other names: c.3527G>C, p.Arg1176Thr (NM_000267.4); short protein forms R1176T.
Identifiers: ClinVar variation 3634536 (VCV003634536.5).